The following is an entry in ClinVar:

NC_000001.11:g.(?_17044761)_(17044888_?)del

Gene: SDHB (succinate dehydrogenase complex iron sulfur subunit B; minus strand). Cytogenetic location: 1p36.13.
Variant type: Deletion.
Identifiers: ClinVar variation 417581 (VCV000417581.1).

ClinVar aggregate classification (germline): Pathogenic (1 of 4 stars; one submission).

Conditions:
Pheochromocytoma/paraganglioma syndrome 4. Also called: PARAGANGLIOMA, FAMILIAL MALIGNANT; PARAGANGLIOMAS, HEREDITARY EXTRAADRENAL; PHEOCHROMOCYTOMA, FAMILIAL EXTRAADRENAL; Paragangliomas 4; CAROTID BODY TUMORS AND MULTIPLE EXTRAADRENAL PHEOCHROMOCYTOMAS; SDHB-Related Hereditary Paraganglioma-Pheochromocytoma Syndrome (Paragangliomas 4). Identifiers: Orphanet 29072, MedGen C1861848, MONDO:0007273, OMIM 115310.
Gastrointestinal stromal tumor. Also called: Gastrointestinal stroma tumor; Gastrointestinal stromal tumor, somatic. Identifiers: Orphanet 44890, MedGen C0238198, MeSH D046152, MONDO:0011719, OMIM 606764, HP:0100723.
Pheochromocytoma. Also called: MAX-Related Hereditary Paraganglioma-Pheochromocytoma Syndrome. Identifiers: Orphanet 29072, MedGen C0031511, MONDO:0008233, OMIM 171300, HP:0002666.

Submission:

Labcorp Genetics (formerly Invitae), Labcorp
Classification: Pathogenic for Gastrointestinal stromal tumor; Pheochromocytoma/paraganglioma syndrome 4; Pheochromocytoma. Last evaluated: 2016-12-09. Review status: criteria provided, single submitter. Criteria: Invitae Variant Classification Sherloc (09022015). Collection method: clinical testing. Allele origin: germline.
Comment: This variant is a gross deletion of the genomic region encompassing exon 2 of the SDHB gene. This creates a premature translational stop signal and is expected to result in an absent or disrupted protein product. Loss-of-function variants including gross deletions in SDHB are known to be pathogenic. A similar deletion of exon 2 has been reported in the literature in an individual affected with an abdominal paraganglioma (PMID: 23666964). For these reasons, this variant has been classified as Pathogenic.